The following is an entry in ClinVar:

ClinVar aggregate classification (germline): Uncertain significance. Review status: criteria provided, multiple submitters, no conflicts (2 of 4 stars). 2 submissions from 2 submitters: Uncertain significance (2). Last evaluated 2022-03-29.

Conditions:
Fanconi anemia (FA). Also called: Fanconi's anemia. Identifiers: Orphanet 84, MedGen C0015625, MeSH D005199, MONDO:0019391.
Inborn genetic diseases. Identifiers: MedGen C0950123, MeSH D030342.

Allele frequency attached by ClinVar (database versions not stated): gnomAD 0.00001; gnomAD exomes 0.00001; TOPMed 0.00001; ExAC 0.00002; ESP Exome Variant Server 0.00008.

Submissions (2):

Ambry Genetics
Classification: Uncertain significance for Inborn genetic diseases. Last evaluated: 2022-03-29. Review status: criteria provided, single submitter. Criteria: Ambry Variant Classification Scheme 2023. Collection method: clinical testing. Allele origin: germline.

Labcorp Genetics (formerly Invitae), Labcorp
Classification: Uncertain significance for Fanconi anemia. Last evaluated: 2022-03-21. Review status: criteria provided, single submitter. Criteria: Invitae Variant Classification Sherloc (09022015). Collection method: clinical testing. Allele origin: germline.
Comment: In summary, the available evidence is currently insufficient to determine the role of this variant in disease. Therefore, it has been classified as a Variant of Uncertain Significance. Algorithms developed to predict the effect of missense changes on protein structure and function output the following: SIFT: "Tolerated"; PolyPhen-2: "Benign"; Align-GVGD: "Class C0". The valine amino acid residue is found in multiple mammalian species, which suggests that this missense change does not adversely affect protein function. This variant has not been reported in the literature in individuals affected with SLX4-related conditions. This variant is present in population databases (rs377329498, gnomAD 0.007%). This sequence change replaces alanine, which is neutral and non-polar, with valine, which is neutral and non-polar, at codon 1749 of the SLX4 protein (p.Ala1749Val).

NM_032444.4(SLX4):c.5246C>T (p.Ala1749Val)

Gene: SLX4 (SLX4 structure-specific endonuclease subunit; minus strand). Cytogenetic location: 16p13.3.
Variant type: single nucleotide variant.
Coding change: c.5246C>T on transcript NM_032444.4 (MANE Select); coding-DNA position 5246, C replaced by T.
Protein change: p.Ala1749Val; replaces alanine 1749 with valine.
Molecular consequence: missense variant.
Genome position (GRCh38, 1-based): chr16:3,582,601, G>A on the plus strand (C>T on the coding strand, the complement: SLX4 is on the minus strand). VCF-style: chr16-3582601-G-A. GRCh37 (hg19) VCF-style: chr16-3632602-G-A.
Other names: short protein forms A1749V.
Identifiers: ClinVar variation 2186257 (VCV002186257.3), dbSNP rs377329498, ClinGen allele CA7865364.